The following is an entry in ClinVar:

NM_001032382.2(PQBP1):c.635C>A (p.Ala212Asp)

Gene: PQBP1 (polyglutamine binding protein 1; plus strand). Cytogenetic location: Xp11.23.
Variant type: single nucleotide variant.
Coding change: c.635C>A on transcript NM_001032382.2 (MANE Select); coding-DNA position 635, C replaced by A.
Protein change: p.Ala212Asp; replaces alanine 212 with aspartic acid.
Molecular consequence: missense variant.
Genome position (GRCh38, 1-based): chrX:48,902,789, C>A. VCF-style: chrX-48902789-C-A. GRCh37 (hg19) VCF-style: chrX-48760066-C-A.
Other names: c.635C>A, p.Ala212Asp (NM_001032381.2, NM_001032383.2, NM_001032384.1 and 1 more transcripts); c.632C>A, p.Ala211Asp (NM_001167989.2); c.611C>A, p.Ala204Asp (NM_001167990.2); c.335C>A, p.Ala112Asp (NM_001167992.1); c.350C>A, p.Ala117Asp (NM_144495.3); short protein forms A212D, A112D, A117D, A211D, A204D.
Identifiers: ClinVar variation 588237 (VCV000588237.5), dbSNP rs1569510614, ClinGen allele CA412891326.

ClinVar aggregate classification (germline): Uncertain significance (1 of 4 stars; one submission).

Conditions:
Inborn genetic diseases. Identifiers: MedGen C0950123, MeSH D030342.

Submission:

Ambry Genetics
Classification: Uncertain significance for Inborn genetic diseases. Last evaluated: 2016-09-06. Review status: criteria provided, single submitter. Criteria: Ambry Variant Classification Scheme 2023. Collection method: clinical testing. Allele origin: germline.
Comment: The p.A212D variant (also known as c.635C>A), located in coding exon 5 of the PQBP1 gene, results from a C to A substitution at nucleotide position 635. The alanine at codon 212 is replaced by aspartic acid, an amino acid with dissimilar properties. This variant was not reported in population based cohorts in the following databases: Database of Single Nucleotide Polymorphisms (dbSNP), NHLBI Exome Sequencing Project (ESP), and 1000 Genomes Project. In the ESP, this variant was not observed in 6497 samples with coverage at this position. This amino acid position is highly conserved in available vertebrate species. In addition, this alteration is predicted to be deleterious by in silico analysis. Since supporting evidence is limited at this time, the clinical significance of this alteration remains unclear.